The following is an entry in ClinVar:

NM_000287.4(PEX6):c.780_782dup (p.Pro261dup)

Gene: PEX6 (peroxisomal biogenesis factor 6; minus strand). Cytogenetic location: 6p21.1.
Variant type: Duplication.
Coding change: c.780_782dup on transcript NM_000287.4 (MANE Select); coding-DNA positions 780 to 782, 3 bases duplicated (ACC; older notation c.780_782dupACC).
Protein change: p.Pro261dup; duplicates proline 261.
Molecular consequence: inframe insertion. On other transcripts: non-coding transcript variant (1), intron variant (1).
Genome position (GRCh38, 1-based): chr6:42,978,369-42,978,371, GGT duplicated on the plus strand (ACC on the coding strand, the reverse complement: PEX6 is on the minus strand). VCF-style (leftmost placement, unchanged base first): chr6-42978368-C-CGGT. GRCh37 (hg19) VCF-style: chr6-42946106-C-CGGT.
Other names: c.618+162_618+164dup (NM_001316313.2).
Identifiers: ClinVar variation 1417579 (VCV001417579.8), dbSNP rs1770395486, ClinGen allele CA1624318037.

ClinVar aggregate classification (germline): Uncertain significance (1 of 4 stars; one submission).

Conditions:
Peroxisome biogenesis disorder. Identifiers: Orphanet 79189, MedGen C1832200, MONDO:0019234. Disease mechanism: loss of function.

Allele frequency attached by ClinVar (database versions not stated): TOPMed below 0.00001.

Submission:

Labcorp Genetics (formerly Invitae), Labcorp
Classification: Uncertain significance for Peroxisome biogenesis disorder. Last evaluated: 2023-12-11. Review status: criteria provided, single submitter. Criteria: Invitae Variant Classification Sherloc (09022015). Collection method: clinical testing. Allele origin: germline.
Comment: This variant, c.780_782dup, results in the insertion of 1 amino acid(s) of the PEX6 protein (p.Pro261dup), but otherwise preserves the integrity of the reading frame. This variant is not present in population databases (gnomAD no frequency). This variant has not been reported in the literature in individuals affected with PEX6-related conditions. ClinVar contains an entry for this variant (Variation ID: 1417579). Experimental studies and prediction algorithms are not available or were not evaluated, and the functional significance of this variant is currently unknown. In summary, the available evidence is currently insufficient to determine the role of this variant in disease. Therefore, it has been classified as a Variant of Uncertain Significance.